The following is an entry in ClinVar:

ClinVar aggregate classification (germline): Likely benign (1 of 4 stars; one submission).

Submission:

Molecular Diagnostic Laboratory for Inherited Cardiovascular Disease, Montreal Heart Institute
Classification: Likely benign. Last evaluated: 2025-07-24. Review status: criteria provided, single submitter. Criteria: ACMG Guidelines, 2015. Collection method: clinical testing. Allele origin: germline. Affected: no.
Comment: BP1

NM_001267550.2(TTN):c.84664G>A (p.Gly28222Arg)

Genes: TTN (titin; minus strand), TTN-AS1 (TTN antisense RNA 1; plus strand). Cytogenetic location: 2q31.2.
Variant type: single nucleotide variant.
Coding change: c.84664G>A on transcript NM_001267550.2 (MANE Select); coding-DNA position 84664, G replaced by A.
Protein change: p.Gly28222Arg; replaces glycine 28222 with arginine.
Molecular consequence: missense variant.
Genome position (GRCh38, 1-based): chr2:178,561,468, C>T on the plus strand (G>A on the coding strand, the complement: TTN is on the minus strand). VCF-style: chr2-178561468-C-T. GRCh37 (hg19) VCF-style: chr2-179426195-C-T.
Other names: c.79741G>A, p.Gly26581Arg (NM_001256850.1); c.57469G>A, p.Gly19157Arg (NM_003319.4); c.76960G>A, p.Gly25654Arg (NM_133378.4); c.57844G>A, p.Gly19282Arg (NM_133432.3); c.58045G>A, p.Gly19349Arg (NM_133437.4); short protein forms G19157R, G19282R, G19349R, G25654R, G26581R, G28222R.
Identifiers: ClinVar variation 4076437 (VCV004076437.1).
Genomic context (GRCh38, chr2:178,561,468, plus strand): 5'-TACTGCATTTACCAATTCCAGCAATATTTTCAGCATATACACGATACTCATACATCAGTC[C>T]TTCATCAAGGCCGGAGACTTTCATTTGAGTATCAGCAATGAGGATTTTATTTGCTTTTGA-3'
Protein context (NP_001254479.2, residues 28212-28232): TQMKVSGLDE[Gly28222Arg]LMYEYRVYAE